The following is an entry in ClinVar:

NM_005529.7(HSPG2):c.406T>C (p.Phe136Leu)

Gene: HSPG2 (heparan sulfate proteoglycan 2; minus strand). Cytogenetic location: 1p36.12.
Variant type: single nucleotide variant.
Coding change: c.406T>C on transcript NM_005529.7 (MANE Select); coding-DNA position 406, T replaced by C.
Protein change: p.Phe136Leu; replaces phenylalanine 136 with leucine.
Molecular consequence: missense variant.
Genome position (GRCh38, 1-based): chr1:21,890,434, A>G on the plus strand (T>C on the coding strand, the complement: HSPG2 is on the minus strand). VCF-style: chr1-21890434-A-G. GRCh37 (hg19) VCF-style: chr1-22216927-A-G.
Other names: c.406T>C, p.Phe136Leu (NM_001291860.2); short protein forms F136L.
Identifiers: ClinVar variation 4736104 (VCV004736104.1).

ClinVar aggregate classification (germline): Uncertain significance (1 of 4 stars; one submission).

Submission:

Labcorp Genetics (formerly Invitae), Labcorp
Classification: Uncertain significance. Last evaluated: 2026-01-24. Review status: criteria provided, single submitter. Criteria: Invitae Variant Classification Sherloc (09022015). Collection method: clinical testing. Allele origin: germline.
Comment: This sequence change replaces phenylalanine, which is neutral and non-polar, with leucine, which is neutral and non-polar, at codon 136 of the HSPG2 protein (p.Phe136Leu). This variant is not present in population databases (gnomAD no frequency). This variant has not been reported in the literature in individuals affected with HSPG2-related conditions. An algorithm developed to predict the effect of missense changes on protein structure and function (PolyPhen-2) suggests that this variant is likely to be tolerated. In summary, the available evidence is currently insufficient to determine the role of this variant in disease. Therefore, it has been classified as a Variant of Uncertain Significance.